The following is an entry in ClinVar:

NM_019066.5(MAGEL2):c.1919C>T (p.Pro640Leu)

Gene: MAGEL2 (MAGE family member L2; minus strand). Cytogenetic location: 15q11.2.
Variant type: single nucleotide variant.
Coding change: c.1919C>T on transcript NM_019066.5 (MANE Select); coding-DNA position 1919, C replaced by T.
Protein change: p.Pro640Leu; replaces proline 640 with leucine.
Molecular consequence: missense variant.
Genome position (GRCh38, 1-based): chr15:23,645,824, G>A on the plus strand (C>T on the coding strand, the complement: MAGEL2 is on the minus strand). VCF-style: chr15-23645824-G-A. GRCh37 (hg19) VCF-style: chr15-23890971-G-A.
Other names: c.1919C>T (NM_019066.4); short protein forms P640L.
Identifiers: ClinVar variation 1946836 (VCV001946836.6), dbSNP rs1206627046, ClinGen allele CA391333043.

ClinVar aggregate classification (germline): Uncertain significance. Review status: criteria provided, multiple submitters, no conflicts (2 of 4 stars). 2 submissions from 2 submitters: Uncertain significance (2). Last evaluated 2025-07-22.

Conditions:
MAGEL2-related disorder. Also called: MAGEL2-related condition.

Allele frequency attached by ClinVar (database versions not stated): TOPMed 0.00001.

Submissions (2):

PreventionGenetics, part of Exact Sciences
Classification: Uncertain significance for MAGEL2-related condition. Last evaluated: 2025-07-22. Review status: criteria provided, single submitter. Criteria: ACMG Guidelines, 2015. Collection method: clinical testing. Allele origin: germline.
Comment: The MAGEL2 c.1919C>T variant is predicted to result in the amino acid substitution p.Pro640Leu. To our knowledge, this variant has not been reported in the literature or in a large population database (gnomAD), indicating this variant is rare. However, this variant falls within a highly paralogous region, and therefore allele frequency data should be interpreted with caution. At this time, the clinical significance of this variant is uncertain due to the absence of conclusive functional and genetic evidence.

Labcorp Genetics (formerly Invitae), Labcorp
Classification: Uncertain significance. Last evaluated: 2024-11-19. Review status: criteria provided, single submitter. Criteria: Invitae Variant Classification Sherloc (09022015). Collection method: clinical testing. Allele origin: germline.
Comment: This sequence change replaces proline, which is neutral and non-polar, with leucine, which is neutral and non-polar, at codon 640 of the MAGEL2 protein (p.Pro640Leu). This variant is not present in population databases (gnomAD no frequency). This variant has not been reported in the literature in individuals affected with MAGEL2-related conditions. ClinVar contains an entry for this variant (Variation ID: 1946836). Invitae Evidence Modeling of protein sequence and biophysical properties (such as structural, functional, and spatial information, amino acid conservation, physicochemical variation, residue mobility, and thermodynamic stability) indicates that this missense variant is not expected to disrupt MAGEL2 protein function with a negative predictive value of 80%. In summary, the available evidence is currently insufficient to determine the role of this variant in disease. Therefore, it has been classified as a Variant of Uncertain Significance.